The following is an entry in ClinVar:

ClinVar aggregate classification (germline): Likely pathogenic (1 of 4 stars; one submission).

Conditions:
Generalized juvenile polyposis/juvenile polyposis coli. Also called: Juvenile polyposis coli. Identifiers: Orphanet 329971, MedGen C1868081, MONDO:0008276.

Submission:

Women's Health and Genetics/Laboratory Corporation of America, LabCorp
Classification: Likely pathogenic for Juvenile polyposis syndrome. Last evaluated: 2020-06-08. Review status: criteria provided, single submitter. Criteria: LabCorp Variant Classification Summary - May 2015. Collection method: clinical testing. Allele origin: germline.
Comment: Variant summary: SMAD4 c.502G>T (p.Gly168X) results in a premature termination codon, predicted to cause a truncation of the encoded protein or absence of the protein due to nonsense mediated decay, which are commonly known mechanisms for disease. Truncations downstream of this position have been classified as pathogenic by our laboratory. The variant was absent in 251466 control chromosomes (gnomAD). To our knowledge, no occurrence of c.502G>T in individuals affected with Juvenile Polyposis Syndrome and no experimental evidence demonstrating its impact on protein function have been reported. However, several somatic occurrences of this variant have been reported in adenocarcinoma and colorectal cancer samples (PMID: 28125075, 26797410, 10340381). No clinical diagnostic laboratories have submitted clinical-significance assessments for this variant to ClinVar after 2014. Based on the evidence outlined above, the variant was classified as likely pathogenic.

Literature cited by the submitters: PubMed 25523272.

NM_005359.6(SMAD4):c.502G>T (p.Gly168Ter)

Gene: SMAD4 (SMAD family member 4; plus strand). Cytogenetic location: 18q21.2.
Variant type: single nucleotide variant.
Coding change: c.502G>T on transcript NM_005359.6 (MANE Select); coding-DNA position 502, G replaced by T.
Protein change: p.Gly168Ter; replaces glycine 168 with a stop codon.
Molecular consequence: nonsense.
Genome position (GRCh38, 1-based): chr18:51,054,828, G>T. VCF-style: chr18-51054828-G-T. GRCh37 (hg19) VCF-style: chr18-48581198-G-T.
Other names: short protein forms G168*.
Identifiers: ClinVar variation 933206 (VCV000933206.1), dbSNP rs1909795990, ClinGen allele CA402460727.